The following is an entry in ClinVar:

NM_001942.4(DSG1):c.2623G>A (p.Ala875Thr)

Genes: DSG1 (desmoglein 1; plus strand), DSG1-AS1 (DSG1 antisense RNA 1; minus strand), LOC126862720 (MED14-independent group 3 enhancer GRCh37_chr18:28933613-28934812; plus strand). Cytogenetic location: 18q12.1.
Variant type: single nucleotide variant.
Coding change: c.2623G>A on transcript NM_001942.4 (MANE Select); coding-DNA position 2623, G replaced by A.
Protein change: p.Ala875Thr; replaces alanine 875 with threonine.
Molecular consequence: missense variant.
Genome position (GRCh38, 1-based): chr18:31,354,819, G>A. VCF-style: chr18-31354819-G-A. GRCh37 (hg19) VCF-style: chr18-28934782-G-A.
Other names: c.2623G>A (NM_001942.2); short protein forms A875T.
Identifiers: ClinVar variation 1515209 (VCV001515209.8), dbSNP rs376868157, ClinGen allele CA8926414.

ClinVar aggregate classification (germline): Conflicting classifications of pathogenicity. Review status: criteria provided, conflicting classifications (1 of 4 stars). 3 submissions from 3 submitters: Uncertain significance (1); Likely benign (2). Last evaluated 2025-10-06.

Conditions:
Inborn genetic diseases. Identifiers: MedGen C0950123, MeSH D030342.

Allele frequency attached by ClinVar (database versions not stated): ExAC 0.00003; gnomAD 0.00003; gnomAD exomes 0.00004; TOPMed 0.00006; ESP Exome Variant Server 0.00008.
gnomAD v4.1: 147 of 1,614,104 alleles (0.0091%); highest among the groups gnomAD compares: Non-Finnish European, 0.011%; no homozygotes.

Submissions (3):

Labcorp Genetics (formerly Invitae), Labcorp
Classification: Uncertain significance. Last evaluated: 2025-10-06. Review status: criteria provided, single submitter. Criteria: Invitae Variant Classification Sherloc (09022015). Collection method: clinical testing. Allele origin: germline.
Comment: This sequence change replaces alanine, which is neutral and non-polar, with threonine, which is neutral and polar, at codon 875 of the DSG1 protein (p.Ala875Thr). This variant is present in population databases (rs376868157, gnomAD 0.01%). This variant has not been reported in the literature in individuals affected with DSG1-related conditions. ClinVar contains an entry for this variant (Variation ID: 1515209). An algorithm developed to predict the effect of missense changes on protein structure and function outputs the following: PolyPhen-2: "Benign". The threonine amino acid residue is found in multiple mammalian species, which suggests that this missense change does not adversely affect protein function. In summary, the available evidence is currently insufficient to determine the role of this variant in disease. Therefore, it has been classified as a Variant of Uncertain Significance.

Blueprint Genetics
Classification: Likely benign. Last evaluated: 2024-11-19. Review status: criteria provided, single submitter. Criteria: ACMG Guidelines, 2015. Collection method: clinical testing. Allele origin: germline.

Ambry Genetics
Classification: Likely benign for Inborn genetic diseases. Last evaluated: 2023-09-21. Review status: criteria provided, single submitter. Criteria: Ambry Variant Classification Scheme 2023. Collection method: clinical testing. Allele origin: germline.